The following is an entry in ClinVar:

ClinVar aggregate classification (germline): Uncertain significance. Review status: criteria provided, multiple submitters, no conflicts (2 of 4 stars). 2 submissions from 2 submitters: Uncertain significance (2). Last evaluated 2023-01-13.

Conditions:
Ullrich congenital muscular dystrophy 2 (UCMD2). Identifiers: Orphanet 75840, MedGen C4225314, MONDO:0014654, OMIM 616470.
Bethlem myopathy 2 (BTHLM2). Identifiers: Orphanet 536516, Orphanet 610, MedGen C4225313, MONDO:0034022, OMIM 616471.

Submissions (2):

Labcorp Genetics (formerly Invitae), Labcorp
Classification: Uncertain significance for Bethlem myopathy 2; Ullrich congenital muscular dystrophy 2. Last evaluated: 2023-01-13. Review status: criteria provided, single submitter. Criteria: Invitae Variant Classification Sherloc (09022015). Collection method: clinical testing. Allele origin: germline.
Comment: This sequence change replaces leucine, which is neutral and non-polar, with phenylalanine, which is neutral and non-polar, at codon 2192 of the COL12A1 protein (p.Leu2192Phe). In summary, the available evidence is currently insufficient to determine the role of this variant in disease. Therefore, it has been classified as a Variant of Uncertain Significance. Advanced modeling of protein sequence and biophysical properties (such as structural, functional, and spatial information, amino acid conservation, physicochemical variation, residue mobility, and thermodynamic stability) performed at Invitae indicates that this missense variant is not expected to disrupt COL12A1 protein function. ClinVar contains an entry for this variant (Variation ID: 940666). This variant has not been reported in the literature in individuals affected with COL12A1-related conditions. This variant is not present in population databases (gnomAD no frequency).

Revvity Omics, Revvity
Classification: Uncertain significance. Last evaluated: 2019-06-26. Review status: criteria provided, single submitter. Criteria: ACMG Guidelines, 2015. Collection method: clinical testing. Allele origin: germline.

NM_004370.6(COL12A1):c.6574C>T (p.Leu2192Phe)

Gene: COL12A1 (collagen type XII alpha 1 chain; minus strand). Cytogenetic location: 6q13.
Variant type: single nucleotide variant.
Coding change: c.6574C>T on transcript NM_004370.6 (MANE Select); coding-DNA position 6574, C replaced by T.
Protein change: p.Leu2192Phe; replaces leucine 2192 with phenylalanine.
Molecular consequence: missense variant.
Genome position (GRCh38, 1-based): chr6:75,125,160, G>A on the plus strand (C>T on the coding strand, the complement: COL12A1 is on the minus strand). VCF-style: chr6-75125160-G-A. GRCh37 (hg19) VCF-style: chr6-75834876-G-A.
Other names: c.3082C>T, p.Leu1028Phe (NM_080645.3); short protein forms L1028F, L2192F.
Identifiers: ClinVar variation 940666 (VCV000940666.12), dbSNP rs1765951451, ClinGen allele CA364729323.